The following is an entry in ClinVar:

ClinVar aggregate classification (germline): Conflicting classifications of pathogenicity. Review status: criteria provided, conflicting classifications (1 of 4 stars). 2 submissions from 2 submitters: Likely pathogenic (1); Uncertain significance (1). Last evaluated 2026-03-01.

Submissions (2):

CeGaT Center for Human Genetics Tuebingen
Classification: Likely pathogenic. Last evaluated: 2026-03-01. Review status: criteria provided, single submitter. Criteria: CeGaT Center For Human Genetics Tuebingen Variant Classification Criteria Version 2. Collection method: clinical testing. Allele origin: germline. Affected: yes. Observed: 2 variant alleles.
Comment: ADGRL1: PVS1:Strong, PM2

GeneDx
Classification: Uncertain significance. Last evaluated: 2023-07-05. Review status: criteria provided, single submitter. Criteria: GeneDx Variant Classification Process June 2021. Collection method: clinical testing. Allele origin: germline.
Comment: Not observed at significant frequency in large population cohorts (gnomAD); Frameshift variant predicted to result in protein truncation or nonsense mediated decay in a gene for which loss of function is not a well-established mechanism of disease; Has not been previously published as pathogenic or benign to our knowledge; Variants in candidate genes are classified as variants of uncertain significance in accordance with ACMG guidelines (Richards et al., 2015)

NM_014921.5(ADGRL1):c.342_343del (p.Cys115fs)

Genes: ADGRL1-AS1 (ADGRL1 antisense RNA 1; plus strand), ADGRL1 (adhesion G protein-coupled receptor L1; minus strand). Cytogenetic location: 19p13.12.
Variant type: Deletion.
Coding change: c.342_343del on transcript NM_014921.5 (MANE Select); coding-DNA positions 342 to 343, 2 bases deleted (CT; older notation c.342_343delCT).
Protein change: p.Cys115fs; shifts the reading frame from cysteine 115.
Molecular consequence: frameshift variant. On other transcripts: non-coding transcript variant (1).
Genome position (GRCh38, 1-based): chr19:14,170,733-14,170,734, AG deleted on the plus strand (CT on the coding strand, the reverse complement: ADGRL1 is on the minus strand). VCF-style (leftmost placement, unchanged base first): chr19-14170732-CAG-C. GRCh37 (hg19) VCF-style: chr19-14281544-CAG-C.
Other names: c.342_343del, p.Cys115fs (NM_001008701.3); short protein forms C115fs.
Identifiers: ClinVar variation 4821837 (VCV004821837.5).